The following is an entry in ClinVar:

ClinVar aggregate classification (germline): Uncertain significance (1 of 4 stars; one submission).

Submission:

Labcorp Genetics (formerly Invitae), Labcorp
Classification: Uncertain significance. Last evaluated: 2024-04-17. Review status: criteria provided, single submitter. Criteria: Invitae Variant Classification Sherloc (09022015). Collection method: clinical testing. Allele origin: germline.
Comment: This sequence change replaces proline, which is neutral and non-polar, with leucine, which is neutral and non-polar, at codon 1103 of the POLE protein (p.Pro1103Leu). This variant is not present in population databases (gnomAD no frequency). This variant has not been reported in the literature in individuals affected with POLE-related conditions. Advanced modeling of protein sequence and biophysical properties (such as structural, functional, and spatial information, amino acid conservation, physicochemical variation, residue mobility, and thermodynamic stability) performed at Invitae indicates that this missense variant is not expected to disrupt POLE protein function with a negative predictive value of 80%. In summary, the available evidence is currently insufficient to determine the role of this variant in disease. Therefore, it has been classified as a Variant of Uncertain Significance.

NM_006231.4(POLE):c.3308C>T (p.Pro1103Leu)

Gene: POLE (DNA polymerase epsilon, catalytic subunit; minus strand). Cytogenetic location: 12q24.33.
Variant type: single nucleotide variant.
Coding change: c.3308C>T on transcript NM_006231.4 (MANE Select); coding-DNA position 3308, C replaced by T.
Protein change: p.Pro1103Leu; replaces proline 1103 with leucine.
Molecular consequence: missense variant.
Genome position (GRCh38, 1-based): chr12:132,657,938, G>A on the plus strand (C>T on the coding strand, the complement: POLE is on the minus strand). VCF-style: chr12-132657938-G-A. GRCh37 (hg19) VCF-style: chr12-133234524-G-A.
Other names: short protein forms P1103L.
Identifiers: ClinVar variation 3607859 (VCV003607859.2).